The following is an entry in ClinVar:

NM_016816.4(OAS1):c.715G>A (p.Ala239Thr)

Gene: OAS1 (2'-5'-oligoadenylate synthetase 1; plus strand). Cytogenetic location: 12q24.13.
Variant type: single nucleotide variant.
Coding change: c.715G>A on transcript NM_016816.4 (MANE Select); coding-DNA position 715, G replaced by A.
Protein change: p.Ala239Thr; replaces alanine 239 with threonine.
Molecular consequence: missense variant.
Genome position (GRCh38, 1-based): chr12:112,916,569, G>A. VCF-style: chr12-112916569-G-A. GRCh37 (hg19) VCF-style: chr12-113354374-G-A.
Other names: c.715G>A, p.Ala239Thr (NM_001032409.3, NM_001320151.2, NM_002534.4); short protein forms A239T.
Identifiers: ClinVar variation 1485021 (VCV001485021.8), dbSNP rs777439610, ClinGen allele CA6799875.
Genomic context (GRCh38, chr12:112,916,569, plus strand): 5'-TGTAAGAAGAAGCTTGGGAAGCTGCCACCTCAGTATGCCCTGGAGCTCCTGACGGTCTAT[G>A]CTTGGGAGCGAGGGAGCATGAAAACACATTTCAACACAGCCCAGGGATTTCGGACGGTCT-3'
Protein context (NP_058132.2, residues 229-249): QYALELLTVY[Ala239Thr]WERGSMKTHF

ClinVar aggregate classification (germline): Uncertain significance (1 of 4 stars; one submission).

Allele frequency attached by ClinVar (database versions not stated): ExAC 0.00001; gnomAD exomes 0.00001; TOPMed 0.00001.
gnomAD v4.1: 11 of 1,614,038 alleles (0.00068%); highest among the groups gnomAD compares: Non-Finnish European, 0.00093%; no homozygotes.

Submission:

Labcorp Genetics (formerly Invitae), Labcorp
Classification: Uncertain significance. Last evaluated: 2025-07-06. Review status: criteria provided, single submitter. Criteria: Invitae Variant Classification Sherloc (09022015). Collection method: clinical testing. Allele origin: germline.
Comment: This sequence change replaces alanine, which is neutral and non-polar, with threonine, which is neutral and polar, at codon 239 of the OAS1 protein (p.Ala239Thr). This variant is present in population databases (rs777439610, gnomAD 0.003%). This variant has not been reported in the literature in individuals affected with OAS1-related conditions. ClinVar contains an entry for this variant (Variation ID: 1485021). An algorithm developed to predict the effect of missense changes on protein structure and function (PolyPhen-2) suggests that this variant is likely to be disruptive. In summary, the available evidence is currently insufficient to determine the role of this variant in disease. Therefore, it has been classified as a Variant of Uncertain Significance.